The following is an entry in ClinVar:

ClinVar aggregate classification (germline): Conflicting classifications of pathogenicity. Review status: criteria provided, conflicting classifications (1 of 4 stars). 2 submissions from 2 submitters: Uncertain significance (1); Likely benign (1). Last evaluated 2025-10-15.

Conditions:
Pseudo-Hurler polydystrophy. Also called: ML III; ML III ALPHA/BETA; Type III Mucolipidosis; ML IIIA; Mucolipidosis III Alpha/Beta; MUCOLIPIDOSIS IIIA. Identifiers: Orphanet 423461, Orphanet 577, MedGen C0033788, MONDO:0018931, OMIM 252600.
Mucolipidosis type II. Also called: ML II ALPHA/BETA; Mucolipidosis 2; ML 2; Inclusion cell disease; Leroy Disease; N-acetylglucosamine 1phosphotransferase deficiency. Identifiers: Orphanet 576, MedGen C2673377, MONDO:0009650, OMIM 252500.

Allele frequency attached by ClinVar (database versions not stated): TOPMed 0.00003; gnomAD exomes 0.00004 and 0.00008; ExAC 0.00007; gnomAD 0.00001.
gnomAD v4.1: 26 of 1,613,116 alleles (0.0016%); highest among the groups gnomAD compares: Admixed American, 0.042%; no homozygotes.

Submissions (2):

Labcorp Genetics (formerly Invitae), Labcorp
Classification: Likely benign for Pseudo-Hurler polydystrophy; Mucolipidosis type II. Last evaluated: 2025-10-15. Review status: criteria provided, single submitter. Criteria: Invitae Variant Classification Sherloc (09022015). Collection method: clinical testing. Allele origin: germline.

GeneDx
Classification: Uncertain significance. Last evaluated: 2024-09-22. Review status: criteria provided, single submitter. Criteria: GeneDx Variant Classification Process June 2021. Collection method: clinical testing. Allele origin: germline. Affected: yes.
Comment: In silico analysis supports that this missense variant has a deleterious effect on protein structure/function; Has not been previously published as pathogenic or benign to our knowledge

NM_024312.5(GNPTAB):c.59T>G (p.Leu20Arg)

Gene: GNPTAB (N-acetylglucosamine-1-phosphate transferase subunits alpha and beta; minus strand). Cytogenetic location: 12q23.2.
Variant type: single nucleotide variant.
Coding change: c.59T>G on transcript NM_024312.5 (MANE Select); coding-DNA position 59, T replaced by G.
Protein change: p.Leu20Arg; replaces leucine 20 with arginine.
Molecular consequence: missense variant.
Genome position (GRCh38, 1-based): chr12:101,830,617, A>C on the plus strand (T>G on the coding strand, the complement: GNPTAB is on the minus strand). VCF-style: chr12-101830617-A-C. GRCh37 (hg19) VCF-style: chr12-102224395-A-C.
Other names: c.59T>G (NM_024312.4); short protein forms L20R.
Identifiers: ClinVar variation 1573604 (VCV001573604.9), dbSNP rs769506610, ClinGen allele CA6747021.
Genomic context (GRCh38, chr12:101,830,617, plus strand): 5'-ACCTCTCCGAACTGGAAGGCGGAGACGATGGTGACAACGACGCCCAAGAAGCACACGTAG[A>C]GCCCATACCTGTGGGACAGGCAGGTATAGGTCTGTCTCTGCAGGAGCTTGAACAGCATCA-3'
Protein context (NP_077288.2, residues 10-30): TYTCLSHRYG[Leu20Arg]YVCFLGVVVT